The following is an entry in ClinVar:

NM_000214.3(JAG1):c.1878C>A (p.Cys626Ter)

Gene: JAG1 (jagged canonical Notch ligand 1; minus strand). Cytogenetic location: 20p12.2.
Variant type: single nucleotide variant.
Coding change: c.1878C>A on transcript NM_000214.3 (MANE Select); coding-DNA position 1878, C replaced by A.
Protein change: p.Cys626Ter; replaces cysteine 626 with a stop codon.
Molecular consequence: nonsense.
Genome position (GRCh38, 1-based): chr20:10,646,946, G>T on the plus strand (C>A on the coding strand, the complement: JAG1 is on the minus strand). VCF-style: chr20-10646946-G-T. GRCh37 (hg19) VCF-style: chr20-10627594-G-T.
Other names: c.1878C>A (NM_000214.2); short protein forms C626*.
Identifiers: ClinVar variation 1365424 (VCV001365424.7), dbSNP rs2122606113, ClinGen allele CA408235943.

ClinVar aggregate classification (germline): Pathogenic/Likely pathogenic. Review status: criteria provided, multiple submitters, no conflicts (2 of 4 stars). 2 submissions from 2 submitters: Pathogenic (1); Likely pathogenic (1). Last evaluated 2026-03-08.

Conditions:
JAG1-related disorder. Also called: JAG1-related disorders; JAG1-related condition.
Alagille syndrome due to a JAG1 point mutation. Also called: Alagille Syndrome 1; HEPATIC DUCTULAR HYPOPLASIA, SYNDROMATIC; JAG1-Related Alagille Syndrome. Identifiers: Orphanet 261619, Orphanet 52, MedGen C1956125, MONDO:0016862, OMIM 118450.

Submissions (2):

PreventionGenetics, part of Exact Sciences
Classification: Likely pathogenic for JAG1-related condition. Last evaluated: 2026-03-08. Review status: criteria provided, single submitter. Criteria: ACMG Guidelines, 2015. Collection method: clinical testing. Allele origin: germline.
Comment: The JAG1 c.1878C>A variant is predicted to result in premature protein termination (p.Cys626*). To our knowledge, this variant has not been reported in the literature. This variant has not been reported in a large population database (gnomAD), indicating this variant is rare. Nonsense variants in JAG1 are expected to be pathogenic. This variant is interpreted as likely pathogenic.

Labcorp Genetics (formerly Invitae), Labcorp
Classification: Pathogenic for Alagille syndrome due to a JAG1 point mutation. Last evaluated: 2021-05-16. Review status: criteria provided, single submitter. Criteria: Invitae Variant Classification Sherloc (09022015). Collection method: clinical testing. Allele origin: germline.
Comment: For these reasons, this variant has been classified as Pathogenic. This variant has not been reported in the literature in individuals with JAG1-related conditions. This variant is not present in population databases (ExAC no frequency). This sequence change creates a premature translational stop signal (p.Cys626*) in the JAG1 gene. It is expected to result in an absent or disrupted protein product. Loss-of-function variants in JAG1 are known to be pathogenic (PMID: 11180599).

Literature cited by the submitters: PubMed 11180599 (cited by Labcorp Genetics (formerly Invitae), Labcorp).